The following is an entry in ClinVar:

NM_004456.5(EZH2):c.2185T>C (p.Phe729Leu)

Gene: EZH2 (enhancer of zeste 2 polycomb repressive complex 2 subunit; minus strand). Cytogenetic location: 7q36.1.
Variant type: single nucleotide variant.
Coding change: c.2185T>C on transcript NM_004456.5 (MANE Select); coding-DNA position 2185, T replaced by C.
Protein change: p.Phe729Leu; replaces phenylalanine 729 with leucine.
Molecular consequence: missense variant.
Genome position (GRCh38, 1-based): chr7:148,809,081, A>G on the plus strand (T>C on the coding strand, the complement: EZH2 is on the minus strand). VCF-style: chr7-148809081-A-G. GRCh37 (hg19) VCF-style: chr7-148506173-A-G.
Other names: c.2170T>C, p.Phe724Leu (NM_001203247.2); c.2143T>C, p.Phe715Leu (NM_001203248.2); c.2017T>C, p.Phe673Leu (NM_001203249.2); c.2053T>C, p.Phe685Leu (NM_152998.3); short protein forms F673L, F685L, F715L, F724L, F729L.
Identifiers: ClinVar variation 1699242 (VCV001699242.3), dbSNP rs2129467486, ClinGen allele CA369711906.

ClinVar aggregate classification (germline): Pathogenic (1 of 4 stars; one submission).

Conditions:
Weaver syndrome (WVS). Also called: Weaver Smith syndrome; Overgrowth syndrome with accelerated skeletal maturation, unusual facies, and camptodactyly. Identifiers: Orphanet 3447, MedGen C0265210, MONDO:0010193, OMIM 277590.

Submission:

Victorian Clinical Genetics Services, Murdoch Childrens Research Institute
Classification: Pathogenic for Weaver syndrome. Last evaluated: 2022-02-02. Review status: criteria provided, single submitter. Criteria: ACMG Guidelines, 2015. Collection method: clinical testing. Allele origin: germline. Inheritance: Autosomal dominant inheritance.
Comment: Based on the classification scheme VCGS_Germline_v1.3.4, this variant is classified as Pathogenic. Following criteria are met: 0102 - Loss of function is a known mechanism of disease in this gene and is associated with Weaver syndrome (MIM#277590). (I) 0107 - This gene is associated with autosomal dominant disease. (I) 0200 - Variant is predicted to result in a missense amino acid change from phenylalanine to leucine. (I) 0251 - This variant is heterozygous. (I) 0301 - Variant is absent from gnomAD (both v2 and v3). (SP) 0501 - Missense variant with conflicting in silico predictions and highly conserved with a minor amino acid change. (I) 0602 - Variant is located in a hotspot region or cluster of pathogenic variants in the SET domain (DECIPHER, NCBI). (SP) 0705 - No comparable missense variants have previous evidence for pathogenicity. (I) 0802 - This variant has moderate previous evidence of pathogenicity in unrelated individuals. An alternative variant, with a different nucleotide change (c.2187T>G) resulting in the same protein change (p.Phe729Leu), has previously been observed de novo in one individual with Weaver syndrome (MIM#277590), and classified as likely pathogenic (ClinVar). (SP) 0905 - No published segregation evidence has been identified for this variant. (I) 1007 - No published functional evidence has been identified for this variant. (I) 1102 - Strong phenotype match for this individual. (SP) Legend: (SP) - Supporting pathogenic, (I) - Information, (SB) - Supporting benign